The following is an entry in ClinVar:

NM_001036.6(RYR3):c.13671+4T>C

Genes: AVEN (apoptosis and caspase activation inhibitor; minus strand), RYR3 (ryanodine receptor 3; plus strand), LOC126862094 (CDK7 strongly-dependent group 2 enhancer GRCh37_chr15:34145183-34146382; plus strand). Cytogenetic location: 15q14.
Variant type: single nucleotide variant.
Coding change: c.13671+4T>C on transcript NM_001036.6 (MANE Select); 4 bases into the intron after coding-DNA position 13671, T replaced by C.
Molecular consequence: intron variant.
Genome position (GRCh38, 1-based): chr15:33,853,091, T>C. VCF-style: chr15-33853091-T-C. GRCh37 (hg19) VCF-style: chr15-34145292-T-C.
Other names: c.13656+4T>C (NM_001243996.4).
Identifiers: ClinVar variation 1058393 (VCV001058393.7), dbSNP rs374083464, ClinGen allele CA268612460.
Genomic context (GRCh38, chr15:33,853,091, plus strand): 5'-GTTTTGTTTTTCAGATCTTTTCCTAATAACTACTGGGACAAGTTTGTAAAGAGAAAGGTA[T>C]GCCTTGTTAGTGGGGGTGAGTTCCGTGATCACCAAAAAATGTGGTGTATGTTTTTTAAGT-3'

ClinVar aggregate classification (germline): Uncertain significance (1 of 4 stars; one submission).

Conditions:
Epileptic encephalopathy. Identifiers: MedGen C0543888, HP:0200134.

Allele frequency attached by ClinVar (database versions not stated): gnomAD exomes below 0.00001; gnomAD 0.00001; TOPMed 0.00001; ESP Exome Variant Server 0.00008.
gnomAD v4.1: 52 of 1,590,600 alleles (0.0033%); highest among the groups gnomAD compares: Non-Finnish European, 0.0044%; no homozygotes.

Submission:

Labcorp Genetics (formerly Invitae), Labcorp
Classification: Uncertain significance for Epileptic encephalopathy. Last evaluated: 2022-07-19. Review status: criteria provided, single submitter. Criteria: Invitae Variant Classification Sherloc (09022015). Collection method: clinical testing. Allele origin: germline.
Comment: In summary, the available evidence is currently insufficient to determine the role of this variant in disease. Therefore, it has been classified as a Variant of Uncertain Significance. Variants that disrupt the consensus splice site are a relatively common cause of aberrant splicing (PMID: 17576681, 9536098). Algorithms developed to predict the effect of sequence changes on RNA splicing suggest that this variant is not likely to affect RNA splicing. ClinVar contains an entry for this variant (Variation ID: 1058393). This variant has not been reported in the literature in individuals affected with RYR3-related conditions. This variant is present in population databases (rs374083464, gnomAD 0.001%). This sequence change falls in intron 95 of the RYR3 gene. It does not directly change the encoded amino acid sequence of the RYR3 protein. It affects a nucleotide within the consensus splice site.

Literature cited by the submitters: PubMed 17576681; PubMed 9536098.